The following is an entry in ClinVar:

NC_000016.9:g.(?_68771319)_(68772334_?)del

Gene: CDH1 (cadherin 1; plus strand). Cytogenetic location: 16q22.1.
Variant type: Deletion.
Identifiers: ClinVar variation 3243399 (VCV003243399.1).

ClinVar aggregate classification (germline): Pathogenic (1 of 4 stars; one submission).

Conditions:
Hereditary diffuse gastric adenocarcinoma (HDGC). Also called: DIFFUSE GASTRIC AND LOBULAR BREAST CANCER SYNDROME. Identifiers: Orphanet 26106, MedGen C1708349, MONDO:0007648, OMIM 137215.

Submission:

Labcorp Genetics (formerly Invitae), Labcorp
Classification: Pathogenic for Hereditary diffuse gastric adenocarcinoma. Last evaluated: 2024-01-05. Review status: criteria provided, single submitter. Criteria: Invitae Variant Classification Sherloc (09022015). Collection method: clinical testing. Allele origin: unknown.
Comment: This variant is a gross deletion of the genomic region encompassing exon(s) 1-2 of the CDH1 gene, which includes the initiator codon. This deletion extends beyond the assayed region for this gene and therefore may encompass additional genes. It is expected to result in an absent or disrupted protein product. Loss-of-function variants in CDH1 are known to be pathogenic (PMID: 15235021, 20373070). A similar copy number variant has been observed in individual(s) with diffuse gastric cancer (PMID: 19168852, 26182300, 30007404). For these reasons, this variant has been classified as Pathogenic.

Literature cited by the submitters: PubMed 15235021; PubMed 20373070; PubMed 19168852; PubMed 26182300; PubMed 30007404.